The following is an entry in ClinVar:

ClinVar aggregate classification (germline): Uncertain significance (1 of 4 stars; one submission).

Conditions:
Hyperekplexia 3 (HKPX3). Also called: HYPEREKPLEXIA 3, AUTOSOMAL RECESSIVE; HYPEREKPLEXIA 3, AUTOSOMAL DOMINANT. Identifiers: Orphanet 3197, MedGen C3553288, MONDO:0013827, OMIM 614618.

Submission:

Labcorp Genetics (formerly Invitae), Labcorp
Classification: Uncertain significance for Hyperekplexia 3. Last evaluated: 2022-02-17. Review status: criteria provided, single submitter. Criteria: Invitae Variant Classification Sherloc (09022015). Collection method: clinical testing. Allele origin: germline.
Comment: This sequence change replaces serine, which is neutral and polar, with leucine, which is neutral and non-polar, at codon 106 of the SLC6A5 protein (p.Ser106Leu). This variant is not present in population databases (gnomAD no frequency). This variant has not been reported in the literature in individuals affected with SLC6A5-related conditions. Advanced modeling of protein sequence and biophysical properties (such as structural, functional, and spatial information, amino acid conservation, physicochemical variation, residue mobility, and thermodynamic stability) performed at Invitae indicates that this missense variant is not expected to disrupt SLC6A5 protein function. In summary, the available evidence is currently insufficient to determine the role of this variant in disease. Therefore, it has been classified as a Variant of Uncertain Significance.

NM_004211.5(SLC6A5):c.317C>T (p.Ser106Leu)

Gene: SLC6A5 (solute carrier family 6 member 5; plus strand). Cytogenetic location: 11p15.1.
Variant type: single nucleotide variant.
Coding change: c.317C>T on transcript NM_004211.5 (MANE Select); coding-DNA position 317, C replaced by T.
Protein change: p.Ser106Leu; replaces serine 106 with leucine.
Molecular consequence: missense variant. On other transcripts: 5 prime UTR variant (1).
Genome position (GRCh38, 1-based): chr11:20,601,442, C>T. VCF-style: chr11-20601442-C-T. GRCh37 (hg19) VCF-style: chr11-20622988-C-T.
Other names: c.-247C>T (NM_001318369.2); short protein forms S106L.
Identifiers: ClinVar variation 2199887 (VCV002199887.1), dbSNP rs764784175, ClinGen allele CA379911960.